The following is an entry in ClinVar:

ClinVar aggregate classification (germline): Conflicting classifications of pathogenicity. Review status: criteria provided, conflicting classifications (1 of 4 stars). 2 submissions from 2 submitters: Uncertain significance (1); Likely benign (1). Last evaluated 2024-10-16.

Conditions:
Inborn genetic diseases. Identifiers: MedGen C0950123, MeSH D030342.

Allele frequency attached by ClinVar (database versions not stated): TOPMed 0.00007; gnomAD 0.00009.
gnomAD v4.1: 191 of 1,613,990 alleles (0.012%); highest among the groups gnomAD compares: Non-Finnish European, 0.016%; no homozygotes.

Submissions (2):

Labcorp Genetics (formerly Invitae), Labcorp
Classification: Uncertain significance. Last evaluated: 2024-10-16. Review status: criteria provided, single submitter. Criteria: Invitae Variant Classification Sherloc (09022015). Collection method: clinical testing. Allele origin: germline.
Comment: This sequence change replaces alanine, which is neutral and non-polar, with threonine, which is neutral and polar, at codon 356 of the RNF168 protein (p.Ala356Thr). This variant is present in population databases (no rsID available, gnomAD 0.006%). This variant has not been reported in the literature in individuals affected with RNF168-related conditions. ClinVar contains an entry for this variant (Variation ID: 2180309). An algorithm developed to predict the effect of missense changes on protein structure and function outputs the following: PolyPhen-2: "Benign". The threonine amino acid residue is found in multiple mammalian species, which suggests that this missense change does not adversely affect protein function. In summary, the available evidence is currently insufficient to determine the role of this variant in disease. Therefore, it has been classified as a Variant of Uncertain Significance.

Ambry Genetics
Classification: Likely benign for Inborn genetic diseases. Last evaluated: 2022-11-18. Review status: criteria provided, single submitter. Criteria: Ambry Variant Classification Scheme 2023. Collection method: clinical testing. Allele origin: germline.

NM_152617.4(RNF168):c.1066G>A (p.Ala356Thr)

Gene: RNF168 (ring finger protein 168; minus strand). Cytogenetic location: 3q29.
Variant type: single nucleotide variant.
Coding change: c.1066G>A on transcript NM_152617.4 (MANE Select); coding-DNA position 1066, G replaced by A.
Protein change: p.Ala356Thr; replaces alanine 356 with threonine.
Molecular consequence: missense variant.
Genome position (GRCh38, 1-based): chr3:196,472,469, C>T on the plus strand (G>A on the coding strand, the complement: RNF168 is on the minus strand). VCF-style: chr3-196472469-C-T. GRCh37 (hg19) VCF-style: chr3-196199340-C-T.
Other names: short protein forms A356T.
Identifiers: ClinVar variation 2180309 (VCV002180309.3), dbSNP rs772804181, ClinGen allele CA90839361.